The following is an entry in ClinVar:

NM_001128178.3(NPHP1):c.143+1G>C

Gene: NPHP1 (nephrocystin 1; minus strand). Cytogenetic location: 2q13.
Variant type: single nucleotide variant.
Coding change: c.143+1G>C on transcript NM_001128178.3 (MANE Select); the canonical splice donor site of the intron after coding-DNA position 143, G replaced by C.
Molecular consequence: splice donor variant.
Genome position (GRCh38, 1-based): chr2:110,201,420, C>G on the plus strand (G>C on the coding strand, the complement: NPHP1 is on the minus strand). VCF-style: chr2-110201420-C-G. GRCh37 (hg19) VCF-style: chr2-110958997-C-G.
Other names: c.143+1G>C (NM_001128179.3, NM_001374256.1, NM_001374257.1 and 3 more transcripts).
Identifiers: ClinVar variation 1467632 (VCV001467632.9), dbSNP rs745806504, ClinGen allele CA53543840.

ClinVar aggregate classification (germline): Likely pathogenic. Review status: criteria provided, multiple submitters, no conflicts (2 of 4 stars). 4 submissions from 4 submitters: Likely pathogenic (4). Last evaluated 2024-11-19.

Conditions:
Joubert syndrome with renal defect. Also called: JOUBERT SYNDROME 4. Identifiers: Orphanet 220497, MedGen C1846790, MONDO:0012308, OMIM 609583.
Nephronophthisis. Also called: Juvenile Nephronophthisis. Identifiers: Orphanet 655, MedGen C0687120, MONDO:0019005, HP:0000090.
NPHP1-related disorder. Also called: NPHP1-related condition; NPHP1-related disorders.
Nephronophthisis 1 (NPHP1). Also called: Nephronophthisis familial juvenile. Identifiers: Orphanet 655, Orphanet 93592, MedGen C1855681, MONDO:0009728, OMIM 256100.
Senior-Loken syndrome 1 (SLSN1). Also called: JUVENILE NEPHRONOPHTHISIS WITH LEBER AMAUROSIS. Identifiers: Orphanet 3156, MedGen C4551559, MONDO:0009962, OMIM 266900.

Allele frequency attached by ClinVar (database versions not stated): gnomAD 0.00001; TOPMed 0.00002.
gnomAD v4.1: 3 of 1,593,638 alleles (0.00019%); highest among the groups gnomAD compares: Middle Eastern, 0.017%; no homozygotes.

Submissions (4):

PreventionGenetics, part of Exact Sciences
Classification: Likely pathogenic for NPHP1-related condition. Last evaluated: 2024-11-19. Review status: criteria provided, single submitter. Criteria: ACMG Guidelines, 2015. Collection method: clinical testing. Allele origin: germline.
Comment: The NPHP1 c.143+1G>C variant is predicted to disrupt the GT donor site and interfere with normal splicing. To our knowledge, this variant has not been reported in the literature in association with obesity. This variant is reported in 0.011% of alleles in individuals of African descent in gnomAD. Variants that disrupt the consensus splice donor site in NPHP1 are expected to be pathogenic. This variant is interpreted as likely pathogenic.

Baylor Genetics
Classification: Likely pathogenic for Joubert syndrome with renal defect. Last evaluated: 2023-10-04. Review status: criteria provided, single submitter. Criteria: ACMG Guidelines, 2015. Collection method: clinical testing. Allele origin: unknown.

Labcorp Genetics (formerly Invitae), Labcorp
Classification: Likely pathogenic for Nephronophthisis. Last evaluated: 2023-04-06. Review status: criteria provided, single submitter. Criteria: Invitae Variant Classification Sherloc (09022015). Collection method: clinical testing. Allele origin: germline.
Comment: This sequence change affects a donor splice site in intron 2 of the NPHP1 gene. It is expected to disrupt RNA splicing. Variants that disrupt the donor or acceptor splice site typically lead to a loss of protein function (PMID: 16199547), and loss-of-function variants in NPHP1 are known to be pathogenic (PMID: 23559409). This variant is present in population databases (no rsID available, gnomAD 0.01%). This variant has not been reported in the literature in individuals affected with NPHP1-related conditions. ClinVar contains an entry for this variant (Variation ID: 1467632). Algorithms developed to predict the effect of sequence changes on RNA splicing suggest that this variant may disrupt the consensus splice site. In summary, the currently available evidence indicates that the variant is pathogenic, but additional data are needed to prove that conclusively. Therefore, this variant has been classified as Likely Pathogenic.

Fulgent Genetics
Classification: Likely pathogenic for Nephronophthisis 1; Senior-Loken syndrome 1; Joubert syndrome with renal defect. Last evaluated: 2022-04-24. Review status: criteria provided, single submitter. Criteria: ACMG Guidelines, 2015. Collection method: clinical testing. Allele origin: unknown.

Literature cited by the submitters: PubMed 16199547 (cited by Labcorp Genetics (formerly Invitae), Labcorp); PubMed 23559409 (cited by Labcorp Genetics (formerly Invitae), Labcorp).